The following is an entry in ClinVar:

ClinVar aggregate classification (germline): Uncertain significance. Review status: criteria provided, multiple submitters, no conflicts (2 of 4 stars). 6 submissions from 6 submitters: Uncertain significance (3). 3 of the submissions do not count toward it. Last evaluated 2025-10-26.

Conditions:
TTN-related disorder. Also called: TTN-related disorders; TTN-related condition; TTN-related disease.
Cardiovascular phenotype. Identifiers: MedGen CN230736.

Allele frequency attached by ClinVar (database versions not stated): ExAC 0.00001; TOPMed 0.00003; ESP Exome Variant Server 0.00008.
gnomAD v4.1: 39 of 1,613,578 alleles (0.0024%); highest among the groups gnomAD compares: Non-Finnish European, 0.0032%; no homozygotes.

Submissions (6):

PreventionGenetics, part of Exact Sciences
Classification: Uncertain significance for TTN-related condition. Last evaluated: 2025-10-26. Review status: criteria provided, single submitter. Criteria: ACMG Guidelines, 2015. Collection method: clinical testing. Allele origin: germline.
Comment: The TTN c.88037A>T variant is predicted to result in the amino acid substitution p.Asp29346Val. To our knowledge, this variant has not been reported in the literature. This variant is reported in 0.0089% of alleles in individuals of European (Non-Finnish) descent in gnomAD and is interpreted as uncertain in ClinVar (Variation ID: 808927). At this time, the clinical significance of this variant is uncertain due to the absence of conclusive functional and genetic evidence.

CeGaT Center for Human Genetics Tuebingen
Classification: Uncertain significance. Last evaluated: 2023-12-01. Review status: criteria provided, single submitter. Criteria: CeGaT Center For Human Genetics Tuebingen Variant Classification Criteria Version 2. Collection method: clinical testing. Allele origin: germline. Affected: yes. Observed: 1 variant allele.

Ambry Genetics
Classification: Uncertain significance for Cardiovascular phenotype. Last evaluated: 2020-09-01. Review status: criteria provided, single submitter. Criteria: Ambry Variant Classification Scheme 2023. Collection method: clinical testing. Allele origin: germline.
Comment: The p.D20281V variant (also known as c.60842A>T), located in coding exon 157 of the TTN gene, results from an A to T substitution at nucleotide position 60842. The aspartic acid at codon 20281 is replaced by valine, an amino acid with highly dissimilar properties. This amino acid position is well conserved in available vertebrate species. In addition, the in silico prediction for this alteration is inconclusive. Since supporting evidence is limited at this time, the clinical significance of this alteration remains unclear.

Clinical Genetics DNA and cytogenetics Diagnostics Lab, Erasmus MC, Erasmus Medical Center
Classification: Uncertain significance. Review status: no assertion criteria provided. Collection method: clinical testing. Allele origin: germline. Affected: yes. Study: VKGL Data-share Consensus. Not counted in ClinVar's aggregate classification.

Clinical Genetics, Academic Medical Center
Classification: Uncertain significance. Review status: no assertion criteria provided. Collection method: clinical testing. Allele origin: germline. Affected: yes. Study: VKGL Data-share Consensus. Not counted in ClinVar's aggregate classification.

Genome Diagnostics Laboratory, Amsterdam University Medical Center
Classification: Uncertain significance. Review status: no assertion criteria provided. Collection method: clinical testing. Allele origin: germline. Affected: yes. Study: VKGL Data-share Consensus. Not counted in ClinVar's aggregate classification.

NM_001267550.2(TTN):c.88037A>T (p.Asp29346Val)

Genes: TTN (titin; minus strand), TTN-AS1 (TTN antisense RNA 1; plus strand). Cytogenetic location: 2q31.2.
Variant type: single nucleotide variant.
Coding change: c.88037A>T on transcript NM_001267550.2 (MANE Select); coding-DNA position 88037, A replaced by T.
Protein change: p.Asp29346Val; replaces aspartic acid 29346 with valine.
Molecular consequence: missense variant.
Genome position (GRCh38, 1-based): chr2:178,557,117, T>A on the plus strand (A>T on the coding strand, the complement: TTN is on the minus strand). VCF-style: chr2-178557117-T-A. GRCh37 (hg19) VCF-style: chr2-179421844-T-A.
Other names: c.83114A>T, p.Asp27705Val (NM_001256850.1); c.60842A>T, p.Asp20281Val (NM_003319.4); c.80333A>T, p.Asp26778Val (NM_133378.4); c.61217A>T, p.Asp20406Val (NM_133432.3); c.61418A>T, p.Asp20473Val (NM_133437.4); short protein forms D20473V, D27705V, D20281V, D20406V, D26778V, D29346V.
Identifiers: ClinVar variation 808927 (VCV000808927.39), dbSNP rs374741129, ClinGen allele CA1988211.